The following is an entry in ClinVar:

NM_012470.4(TNPO3):c.1245G>T (p.Gly415=)

Gene: TNPO3 (transportin 3; minus strand). Cytogenetic location: 7q32.1.
Variant type: single nucleotide variant.
Coding change: c.1245G>T on transcript NM_012470.4 (MANE Select); coding-DNA position 1245, G replaced by T.
Protein change: p.Gly415=; no amino-acid change (glycine 415 retained).
Molecular consequence: synonymous variant. On other transcripts: non-coding transcript variant (18), intron variant (1).
Genome position (GRCh38, 1-based): chr7:128,993,828, C>A on the plus strand (G>T on the coding strand, the complement: TNPO3 is on the minus strand). VCF-style: chr7-128993828-C-A. GRCh37 (hg19) VCF-style: chr7-128633882-C-A.
Other names: c.1245G>T, p.Gly415= (NM_001191028.3, NM_001382216.1, NM_001382218.1 and 2 more transcripts); c.1326G>T, p.Gly442= (NM_001382217.1); c.1101G>T, p.Gly367= (NM_001382221.1); c.1098G>T, p.Gly366= (NM_001382222.1); c.1159-1738G>T (NM_001382219.1); c.1245G>T (NM_012470.3).
Identifiers: ClinVar variation 1094019 (VCV001094019.10), dbSNP rs780066082, ClinGen allele CA4478222.

ClinVar aggregate classification (germline): Likely benign. Review status: criteria provided, multiple submitters, no conflicts (2 of 4 stars). 2 submissions from 2 submitters: Likely benign (2). Last evaluated 2025-12-24.

Conditions:
TNPO3-related disorder. Also called: TNPO3-related condition.
Autosomal dominant limb-girdle muscular dystrophy type 1F (LGMDD2). Also called: Limb-girdle muscular dystrophy, type 1F; MUSCULAR DYSTROPHY, LIMB-GIRDLE, AUTOSOMAL DOMINANT 2. Identifiers: Orphanet 55595, MedGen C1842062, MONDO:0012034, OMIM 608423.

Allele frequency attached by ClinVar (database versions not stated): ExAC 0.00002; gnomAD exomes 0.00002; gnomAD 0.00014 and 0.00016; TOPMed 0.00014.
gnomAD v4.1: 44 of 1,613,928 alleles (0.0027%); highest among the groups gnomAD compares: African/African-American, 0.057%; no homozygotes.

Submissions (2):

Labcorp Genetics (formerly Invitae), Labcorp
Classification: Likely benign for Autosomal dominant limb-girdle muscular dystrophy type 1F. Last evaluated: 2025-12-24. Review status: criteria provided, single submitter. Criteria: Invitae Variant Classification Sherloc (09022015). Collection method: clinical testing. Allele origin: germline.

PreventionGenetics, part of Exact Sciences
Classification: Likely benign for TNPO3-related condition. Last evaluated: 2025-08-24. Review status: criteria provided, single submitter. Criteria: ACMG Guidelines, 2015. Collection method: clinical testing. Allele origin: germline.
Comment: This variant is classified as likely benign based on ACMG/AMP sequence variant interpretation guidelines (Richards et al. 2015 PMID: 25741868, with internal and published modifications).